The following is an entry in ClinVar:

ClinVar aggregate classification (germline): Uncertain significance (1 of 4 stars; one submission).

Allele frequency attached by ClinVar (database versions not stated): gnomAD 0.00001; gnomAD exomes 0.00001; ExAC 0.00002.
gnomAD v4.1: 16 of 1,613,952 alleles (0.00099%); highest among the groups gnomAD compares: Non-Finnish European, 0.0013%; 1 homozygote.

Submission:

Labcorp Genetics (formerly Invitae), Labcorp
Classification: Uncertain significance. Last evaluated: 2022-05-18. Review status: criteria provided, single submitter. Criteria: Invitae Variant Classification Sherloc (09022015). Collection method: clinical testing. Allele origin: germline.
Comment: This sequence change replaces threonine, which is neutral and polar, with alanine, which is neutral and non-polar, at codon 2897 of the USH2A protein (p.Thr2897Ala). This variant is present in population databases (rs772500408, gnomAD 0.003%). This variant has not been reported in the literature in individuals affected with USH2A-related conditions. Algorithms developed to predict the effect of missense changes on protein structure and function (SIFT, PolyPhen-2, Align-GVGD) all suggest that this variant is likely to be disruptive. Algorithms developed to predict the effect of sequence changes on RNA splicing suggest that this variant may create or strengthen a splice site. In summary, the available evidence is currently insufficient to determine the role of this variant in disease. Therefore, it has been classified as a Variant of Uncertain Significance.

NM_206933.4(USH2A):c.8689A>G (p.Thr2897Ala)

Gene: USH2A (usherin; minus strand). Cytogenetic location: 1q41.
Variant type: single nucleotide variant.
Coding change: c.8689A>G on transcript NM_206933.4 (MANE Select); coding-DNA position 8689, A replaced by G.
Protein change: p.Thr2897Ala; replaces threonine 2897 with alanine.
Molecular consequence: missense variant.
Genome position (GRCh38, 1-based): chr1:215,867,163, T>C on the plus strand (A>G on the coding strand, the complement: USH2A is on the minus strand). VCF-style: chr1-215867163-T-C. GRCh37 (hg19) VCF-style: chr1-216040505-T-C.
Other names: short protein forms T2897A.
Identifiers: ClinVar variation 2155313 (VCV002155313.1), dbSNP rs772500408, ClinGen allele CA1394534.